The following is an entry in ClinVar:

ClinVar aggregate classification (germline): Uncertain significance (1 of 4 stars; one submission).

Conditions:
LAMA2-related muscular dystrophy (LAMA2-RD). Also called: Laminin alpha 2-related dystrophy. Identifiers: MedGen C5679788, MONDO:0100228.

Allele frequency attached by ClinVar (database versions not stated): gnomAD exomes below 0.00001.
gnomAD v4.1: 5 of 1,614,150 alleles (0.00031%); highest among the groups gnomAD compares: Non-Finnish European, 0.00042%; no homozygotes.

Submission:

Labcorp Genetics (formerly Invitae), Labcorp
Classification: Uncertain significance for LAMA2-related muscular dystrophy. Last evaluated: 2023-10-13. Review status: criteria provided, single submitter. Criteria: Invitae Variant Classification Sherloc (09022015). Collection method: clinical testing. Allele origin: germline.
Comment: This sequence change replaces arginine, which is basic and polar, with serine, which is neutral and polar, at codon 2911 of the LAMA2 protein (p.Arg2911Ser). This variant is present in population databases (no rsID available, gnomAD 0.0009%). This variant has not been reported in the literature in individuals affected with LAMA2-related conditions. ClinVar contains an entry for this variant (Variation ID: 477520). Advanced modeling of protein sequence and biophysical properties (such as structural, functional, and spatial information, amino acid conservation, physicochemical variation, residue mobility, and thermodynamic stability) performed at Invitae indicates that this missense variant is not expected to disrupt LAMA2 protein function. In summary, the available evidence is currently insufficient to determine the role of this variant in disease. Therefore, it has been classified as a Variant of Uncertain Significance.

NM_000426.4(LAMA2):c.8733G>T (p.Arg2911Ser)

Gene: LAMA2 (laminin subunit alpha 2; plus strand). Cytogenetic location: 6q22.33.
Variant type: single nucleotide variant.
Coding change: c.8733G>T on transcript NM_000426.4 (MANE Select); coding-DNA position 8733, G replaced by T.
Protein change: p.Arg2911Ser; replaces arginine 2911 with serine.
Molecular consequence: missense variant.
Genome position (GRCh38, 1-based): chr6:129,507,518, G>T. VCF-style: chr6-129507518-G-T. GRCh37 (hg19) VCF-style: chr6-129828663-G-T.
Other names: c.8721G>T, p.Arg2907Ser (NM_001079823.2); short protein forms R2911S, R2907S.
Identifiers: ClinVar variation 477520 (VCV000477520.9), dbSNP rs1416941993, ClinGen allele CA365635498.
Genomic context (GRCh38, chr6:129,507,518, plus strand): 5'-GACATTTGTTTCTTCTGATCTGAATGTTTAGGTGACCTATAGCATTGATGGCTGCGTCAG[G>T]AATCTCCACATGGCAGAGGCCCCTGCCGATCTGGAACAACCCACCTCCAGCTTCCATGTT-3'
Protein context (NP_000417.3, residues 2901-2921): PVTYSIDGCV[Arg2911Ser]NLHMAEAPAD